The following is an entry in ClinVar:

ClinVar aggregate classification (germline): Uncertain significance. Review status: criteria provided, multiple submitters, no conflicts (2 of 4 stars). 2 submissions from 2 submitters: Uncertain significance (2). Last evaluated 2026-07-09.

Conditions:
Hereditary diffuse gastric adenocarcinoma (HDGC). Also called: DIFFUSE GASTRIC AND LOBULAR BREAST CANCER SYNDROME. Identifiers: Orphanet 26106, MedGen C1708349, MONDO:0007648, OMIM 137215.
Hereditary cancer-predisposing syndrome. Also called: Neoplastic Syndromes, Hereditary; Hereditary Cancer Syndrome; Hereditary neoplastic syndrome; Tumor predisposition. Identifiers: Orphanet 140162, MedGen C0027672, MeSH D009386, MONDO:0015356.

Allele frequency attached by ClinVar (database versions not stated): TOPMed below 0.00001.

Submissions (2):

Ambry Genetics
Classification: Uncertain significance for Hereditary cancer-predisposing syndrome. Last evaluated: 2026-07-09. Review status: criteria provided, single submitter. Criteria: Ambry Variant Classification Scheme 2023. Collection method: clinical testing. Allele origin: germline.
Comment: The p.H29Y variant (also known as c.85C>T), located in coding exon 2 of the CDH1 gene, results from a C to T substitution at nucleotide position 85. The histidine at codon 29 is replaced by tyrosine, an amino acid with similar properties. This amino acid position is conserved. In addition, this alteration is predicted to be tolerated by in silico analysis. Based on the available evidence, the clinical significance of this variant remains unclear.

Labcorp Genetics (formerly Invitae), Labcorp
Classification: Uncertain significance for Hereditary diffuse gastric adenocarcinoma. Last evaluated: 2018-04-17. Review status: criteria provided, single submitter. Criteria: Invitae Variant Classification Sherloc (09022015). Collection method: clinical testing. Allele origin: germline.
Comment: This sequence change replaces histidine with tyrosine at codon 29 of the CDH1 protein (p.His29Tyr). The histidine residue is weakly conserved and there is a moderate physicochemical difference between histidine and tyrosine. This variant is not present in population databases (ExAC no frequency). This variant has not been reported in the literature in individuals with CDH1-related disease. Algorithms developed to predict the effect of missense changes on protein structure and function (SIFT, PolyPhen-2, Align-GVGD) all suggest that this variant is likely to be tolerated, but these predictions have not been confirmed by published functional studies and their clinical significance is uncertain. In summary, the available evidence is currently insufficient to determine the role of this variant in disease. Therefore, it has been classified as a Variant of Uncertain Significance.

NM_004360.5(CDH1):c.85C>T (p.His29Tyr)

Gene: CDH1 (cadherin 1; plus strand). Cytogenetic location: 16q22.1.
Variant type: single nucleotide variant.
Coding change: c.85C>T on transcript NM_004360.5 (MANE Select); coding-DNA position 85, C replaced by T.
Protein change: p.His29Tyr; replaces histidine 29 with tyrosine.
Molecular consequence: missense variant. On other transcripts: 5 prime UTR variant (2).
Genome position (GRCh38, 1-based): chr16:68,738,333, C>T. VCF-style: chr16-68738333-C-T. GRCh37 (hg19) VCF-style: chr16-68772236-C-T.
Other names: c.85C>T (LRG_301t1); c.85C>T, p.His29Tyr (NM_001317184.2); c.-1531C>T (NM_001317185.2); c.-1735C>T (NM_001317186.2); short protein forms H29Y.
Identifiers: ClinVar variation 576380 (VCV000576380.10), dbSNP rs1254266267, ClinGen allele CA396451833.